The following is an entry in ClinVar:

NM_001242896.3(DEPDC5):c.3259C>T (p.Arg1087Ter)

Gene: DEPDC5 (DEP domain containing 5, GATOR1 subcomplex subunit; plus strand). Cytogenetic location: 22q12.3.
Variant type: single nucleotide variant.
Coding change: c.3259C>T on transcript NM_001242896.3 (MANE Select); coding-DNA position 3259, C replaced by T.
Protein change: p.Arg1087Ter; replaces arginine 1087 with a stop codon.
Molecular consequence: nonsense. On other transcripts: non-coding transcript variant (5).
Genome position (GRCh38, 1-based): chr22:31,857,548, C>T. VCF-style: chr22-31857548-C-T. GRCh37 (hg19) VCF-style: chr22-32253534-C-T.
Other names: c.3232C>T, p.Arg1078Ter (NM_001136029.4, NM_001369903.1, NM_014662.6); c.3025C>T, p.Arg1009Ter (NM_001242897.2, NM_001363854.2, NM_001364319.2); c.3259C>T, p.Arg1087Ter (NM_001363852.2, NM_001364318.2, NM_001364320.2); c.3175C>T, p.Arg1059Ter (NM_001369901.1, NM_001369902.1); short protein forms R1087*, R1009*, R1059*, R1078*.
Identifiers: ClinVar variation 139433 (VCV000139433.53), dbSNP rs587777458, ClinGen allele CA345679.

ClinVar aggregate classification (germline): Pathogenic. Review status: criteria provided, multiple submitters, no conflicts (2 of 4 stars). 6 submissions from 6 submitters: Pathogenic (4). 2 of the submissions do not count toward it. Last evaluated 2024-06-24.

Conditions:
DEPDC5-related disorder. Also called: DEPDC5-related condition; DEPDC5-related related disorder.
Familial focal epilepsy with variable foci (FPEVF). Identifiers: Orphanet 98820, MedGen C1858477, MONDO:0020310.
Epilepsy, familial focal, with variable foci 1 (FFEVF1). Also called: DEPDC5-Related Epilepsy. Identifiers: MedGen C4551983, MONDO:0024556, OMIM 604364.

gnomAD v4.1: 1 of 1,610,052 alleles (0.000062%); highest among the groups gnomAD compares: Non-Finnish European, 0.000085%; no homozygotes.

Submissions (6):

GeneDx
Classification: Pathogenic. Last evaluated: 2024-06-24. Review status: criteria provided, single submitter. Criteria: GeneDx Variant Classification Process June 2021. Collection method: clinical testing. Allele origin: germline. Affected: yes.
Comment: Published functional studies demonstrate a damaging effect showing that p.R1087X inhibits mRNA expression (PMID: 24814846); Nonsense variant predicted to result in protein truncation or nonsense mediated decay in a gene for which loss of function is a known mechanism of disease; Not observed in large population cohorts (gnomAD); This variant is associated with the following publications: (PMID: 31594065, 28761347, 27683934, 30093711, 31440721, 24814846)

Labcorp Genetics (formerly Invitae), Labcorp
Classification: Pathogenic for Familial focal epilepsy with variable foci. Last evaluated: 2023-08-17. Review status: criteria provided, single submitter. Criteria: Invitae Variant Classification Sherloc (09022015). Collection method: clinical testing. Allele origin: germline.
Comment: ClinVar contains an entry for this variant (Variation ID: 139433). For these reasons, this variant has been classified as Pathogenic. This premature translational stop signal has been observed in individual(s) with autosomal dominant nocturnal frontal lobe epilepsy (PMID: 24814846). It has also been observed to segregate with disease in related individuals. This variant is not present in population databases (gnomAD no frequency). This sequence change creates a premature translational stop signal (p.Arg1087*) in the DEPDC5 gene. It is expected to result in an absent or disrupted protein product. Loss-of-function variants in DEPDC5 are known to be pathogenic (PMID: 23542697, 23542701).

Blueprint Genetics
Classification: Pathogenic for DEPDC5-related disorders. Last evaluated: 2023-05-26. Review status: criteria provided, single submitter. Criteria: ACMG Guidelines, 2015. Collection method: clinical testing. Allele origin: germline. Affected: yes. Observed: 2 variant alleles.

CeGaT Center for Human Genetics Tuebingen
Classification: Pathogenic. Last evaluated: 2018-11-01. Review status: criteria provided, single submitter. Criteria: CeGaT Center For Human Genetics Tuebingen Variant Classification Criteria Version 2. Collection method: clinical testing. Allele origin: germline. Affected: yes. Observed: 2 variant alleles.

OMIM
Classification: Pathogenic for EPILEPSY, FAMILIAL FOCAL, WITH VARIABLE FOCI 1. Last evaluated: 2014-05-09. Review status: no assertion criteria provided. Collection method: literature only. Allele origin: germline. Not counted in ClinVar's aggregate classification.

GeneReviews
No classification provided. Condition: Epilepsy, familial focal, with variable foci 1. Review status: no classification provided. Collection method: literature only. Allele origin: germline. Not counted in ClinVar's aggregate classification.

Literature cited by the submitters: PubMed 24814846 (cited by Labcorp Genetics (formerly Invitae), Labcorp and GeneReviews); PubMed 23542697 (cited by Labcorp Genetics (formerly Invitae), Labcorp); PubMed 23542701 (cited by Labcorp Genetics (formerly Invitae), Labcorp); Picard, F., Makrythanasis, P., Navarro, V., Ishida, S., de Bellescize, J., Ville, D., Weckhuysen, S., Fosselle, E., Suls, A., De Jonghe, P., Vasselon Raina, M., Lesca, G., and 13 others DEPDC5 mutations in families presenting as autosomal dominant nocturnal frontal lobe epilepsy. Neurology 82: 2101-2106, 2014. (cited by OMIM); NCBI Bookshelf NBK1169 (cited by GeneReviews).